The following is an entry in ClinVar:

ClinVar aggregate classification (germline): Conflicting classifications of pathogenicity. Review status: criteria provided, conflicting classifications (1 of 4 stars). 4 submissions from 4 submitters: Pathogenic (2); Uncertain significance (2). Last evaluated 2025-12-08.

Conditions:
Dilated cardiomyopathy 1DD (CMD1DD). Identifiers: Orphanet 154, MedGen C2750995, MONDO:0013168, OMIM 613172.
Cardiovascular phenotype. Identifiers: MedGen CN230736.

Submissions (4):

Labcorp Genetics (formerly Invitae), Labcorp
Classification: Pathogenic for Dilated cardiomyopathy 1DD. Last evaluated: 2025-12-08. Review status: criteria provided, single submitter. Criteria: Invitae Variant Classification Sherloc (09022015). Collection method: clinical testing. Allele origin: germline.
Comment: This sequence change creates a premature translational stop signal (p.Leu408Profs*8) in the RBM20 gene. It is expected to result in an absent or disrupted protein product. Loss-of-function variants in RBM20 are known to be pathogenic (PMID: 20590677, 22004663, 38288598, 38510713, 40339755). This variant is not present in population databases (gnomAD no frequency). This variant has not been reported in the literature in individuals affected with RBM20-related conditions. ClinVar contains an entry for this variant (Variation ID: 635249). Algorithms developed to predict the effect of sequence changes on RNA splicing suggest that this variant may disrupt the consensus splice site. For these reasons, this variant has been classified as Pathogenic.

Ambry Genetics
Classification: Uncertain significance for Cardiovascular phenotype. Last evaluated: 2022-05-05. Review status: criteria provided, single submitter. Criteria: Ambry Variant Classification Scheme 2023. Collection method: clinical testing. Allele origin: germline.
Comment: The c.1222dupC variant, located in coding exon 2 of the RBM20 gene, results from a duplication of C at nucleotide position 1222, causing a translational frameshift with a predicted alternate stop codon (p.L408Pfs*8). This alteration is expected to result in premature protein truncation or nonsense-mediated mRNA decay. However, loss of function of RBM20 has not been clearly established as a mechanism of disease. Since supporting evidence is limited at this time, the clinical significance of this alteration remains unclear.

Institute of Medical Genetics and Applied Genomics, University Hospital Tübingen
Classification: Pathogenic. Last evaluated: 2020-10-23. Review status: criteria provided, single submitter. Criteria: ACMG Guidelines, 2015. Collection method: clinical testing. Allele origin: germline. Inheritance: Unknown mechanism. Affected: yes.

Stanford Center for Inherited Cardiovascular Disease, Stanford University
Classification: Uncertain significance. Last evaluated: 2016-02-26. Review status: criteria provided, single submitter. Criteria: ACMG Guidelines, 2015. Collection method: provider interpretation. Allele origin: germline.

Literature cited by the submitters: PubMed 20590677 (cited by Labcorp Genetics (formerly Invitae), Labcorp); PubMed 22004663 (cited by Labcorp Genetics (formerly Invitae), Labcorp); PubMed 38288598 (cited by Labcorp Genetics (formerly Invitae), Labcorp); PubMed 38510713 (cited by Labcorp Genetics (formerly Invitae), Labcorp); PubMed 40339755 (cited by Labcorp Genetics (formerly Invitae), Labcorp).

NM_001134363.3(RBM20):c.1222dup (p.Leu408fs)

Gene: RBM20 (RNA binding motif protein 20; plus strand). Cytogenetic location: 10q25.2.
Variant type: Duplication.
Coding change: c.1222dup on transcript NM_001134363.3 (MANE Select); coding-DNA position 1222, one base duplicated (C; older notation c.1222dupC).
Protein change: p.Leu408fs; shifts the reading frame from leucine 408.
Molecular consequence: frameshift variant.
Genome position (GRCh38, 1-based): chr10:110,781,831, C duplicated; the last of 6 consecutive C bases (chr10:110,781,826-110,781,831); duplicating any one gives the same sequence. VCF-style (leftmost placement, unchanged base first): chr10-110781825-G-GC. GRCh37 (hg19) VCF-style: chr10-112541583-G-GC.
Other names: c.1222dupC (NM_001134363.1); short protein forms L408fs.
Identifiers: ClinVar variation 635249 (VCV000635249.11), dbSNP rs1564844428, ClinGen allele CA913189914.
Genomic context (GRCh38, chr10:110,781,825, plus strand): 5'-CAGGCGTTGCTATCTGTGCGGCCCCTGCAGGCTCATGAGCTGAACGACTTTCACGGTGTG[G>GC]CCCCCCTCCACTTGCCGCATATCTGTAGCATCTGTGACAAGAAGGTGTTTGATTTGAAGG-3'